The following is an entry in ClinVar:

NM_004370.6(COL12A1):c.2638G>A (p.Ala880Thr)

Gene: COL12A1 (collagen type XII alpha 1 chain; minus strand). Cytogenetic location: 6q13.
Variant type: single nucleotide variant.
Coding change: c.2638G>A on transcript NM_004370.6 (MANE Select); coding-DNA position 2638, G replaced by A.
Protein change: p.Ala880Thr; replaces alanine 880 with threonine.
Molecular consequence: missense variant. On other transcripts: intron variant (1).
Genome position (GRCh38, 1-based): chr6:75,175,110, C>T on the plus strand (G>A on the coding strand, the complement: COL12A1 is on the minus strand). VCF-style: chr6-75175110-C-T. GRCh37 (hg19) VCF-style: chr6-75884826-C-T.
Other names: c.74-22628G>A (NM_080645.3); short protein forms A880T.
Identifiers: ClinVar variation 662758 (VCV000662758.12), dbSNP rs568432319, ClinGen allele CA3893924.

ClinVar aggregate classification (germline): Uncertain significance. Review status: criteria provided, multiple submitters, no conflicts (2 of 4 stars). 2 submissions from 2 submitters: Uncertain significance (2). Last evaluated 2025-10-09.

Conditions:
Ullrich congenital muscular dystrophy 2 (UCMD2). Identifiers: Orphanet 75840, MedGen C4225314, MONDO:0014654, OMIM 616470.
Bethlem myopathy 2 (BTHLM2). Identifiers: Orphanet 536516, Orphanet 610, MedGen C4225313, MONDO:0034022, OMIM 616471.

Allele frequency attached by ClinVar (database versions not stated): 1000 Genomes Project 30x 0.00031; gnomAD 0.00001; TOPMed 0.00001; gnomAD exomes 0.00002; ExAC 0.00003; 1000 Genomes Project 0.00020.
gnomAD v4.1: 24 of 1,614,152 alleles (0.0015%); highest among the groups gnomAD compares: South Asian, 0.0044%; no homozygotes.

Submissions (2):

Labcorp Genetics (formerly Invitae), Labcorp
Classification: Uncertain significance for Bethlem myopathy 2; Ullrich congenital muscular dystrophy 2. Last evaluated: 2025-10-09. Review status: criteria provided, single submitter. Criteria: Invitae Variant Classification Sherloc (09022015). Collection method: clinical testing. Allele origin: germline.
Comment: This sequence change replaces alanine, which is neutral and non-polar, with threonine, which is neutral and polar, at codon 880 of the COL12A1 protein (p.Ala880Thr). This variant is present in population databases (rs568432319, gnomAD 0.004%). This variant has not been reported in the literature in individuals affected with COL12A1-related conditions. ClinVar contains an entry for this variant (Variation ID: 662758). Invitae Evidence Modeling of protein sequence and biophysical properties (such as structural, functional, and spatial information, amino acid conservation, physicochemical variation, residue mobility, and thermodynamic stability) indicates that this missense variant is not expected to disrupt COL12A1 protein function with a negative predictive value of 80%. In summary, the available evidence is currently insufficient to determine the role of this variant in disease. Therefore, it has been classified as a Variant of Uncertain Significance.

Revvity Omics, Revvity
Classification: Uncertain significance. Last evaluated: 2025-05-08. Review status: criteria provided, single submitter. Criteria: ACMG Guidelines, 2015. Collection method: clinical testing. Allele origin: germline.